The following is an entry in ClinVar:

NM_001348716.2(KDM6B):c.3568-3C>T

Gene: KDM6B (lysine demethylase 6B; plus strand). Cytogenetic location: 17p13.1.
Variant type: single nucleotide variant.
Coding change: c.3568-3C>T on transcript NM_001348716.2 (MANE Select); 3 bases into the intron before coding-DNA position 3568, C replaced by T.
Molecular consequence: intron variant.
Genome position (GRCh38, 1-based): chr17:7,850,069, C>T. VCF-style: chr17-7850069-C-T. GRCh37 (hg19) VCF-style: chr17-7753387-C-T.
Other names: c.3568-3C>T (NM_001080424.2).
Identifiers: ClinVar variation 3771452 (VCV003771452.13).

ClinVar aggregate classification (germline): Likely benign (1 of 4 stars; one submission).

gnomAD v4.1: 13 of 1,613,788 alleles (0.00081%); highest among the groups gnomAD compares: Non-Finnish European, 0.0011%; no homozygotes.

Submission:

CeGaT Center for Human Genetics Tuebingen
Classification: Likely benign. Last evaluated: 2025-01-01. Review status: criteria provided, single submitter. Criteria: CeGaT Center For Human Genetics Tuebingen Variant Classification Criteria Version 2. Collection method: clinical testing. Allele origin: germline. Affected: yes. Observed: 1 variant allele.
Comment: KDM6B: BP4